The following is an entry in ClinVar:

ClinVar aggregate classification (germline): Uncertain significance (1 of 4 stars; one submission).

Submission:

GeneDx
Classification: Uncertain significance. Last evaluated: 2024-07-02. Review status: criteria provided, single submitter. Criteria: GeneDx Variant Classification Process June 2021. Collection method: clinical testing. Allele origin: germline. Affected: yes.
Comment: Not observed at significant frequency in large population cohorts (gnomAD); In silico analysis indicates that this missense variant does not alter protein structure/function; Has not been previously published as pathogenic or benign to our knowledge

NM_001243177.4(ALDOA):c.308C>T (p.Thr103Ile)

Genes: ALDOA (aldolase, fructose-bisphosphate A; plus strand), LOC112694756 (uncharaterized LOC112694756; plus strand). Cytogenetic location: 16p11.2.
Variant type: single nucleotide variant.
Coding change: c.308C>T on transcript NM_001243177.4 (MANE Select); coding-DNA position 308, C replaced by T.
Protein change: p.Thr103Ile; replaces threonine 103 with isoleucine.
Molecular consequence: missense variant. On other transcripts: 3 prime UTR variant (3).
Genome position (GRCh38, 1-based): chr16:30,067,483, C>T. VCF-style: chr16-30067483-C-T. GRCh37 (hg19) VCF-style: chr16-30078804-C-T.
Other names: NM_000034.3:c.146C>T; c.*655C>T (NM_001365304.2, NM_001365305.2, NM_001365307.2); c.146C>T, p.Thr49Ile (NM_001127617.2, NM_184041.5, NM_184043.2); short protein forms T103I, T49I.
Identifiers: ClinVar variation 3393751 (VCV003393751.1).